The following is an entry in ClinVar:

NM_000383.4(AIRE):c.595G>A (p.Val199Ile)

Gene: AIRE (autoimmune regulator; plus strand). Cytogenetic location: 21q22.3.
Variant type: single nucleotide variant.
Coding change: c.595G>A on transcript NM_000383.4 (MANE Select); coding-DNA position 595, G replaced by A.
Protein change: p.Val199Ile; replaces valine 199 with isoleucine.
Molecular consequence: missense variant.
Genome position (GRCh38, 1-based): chr21:44,288,401, G>A. VCF-style: chr21-44288401-G-A. GRCh37 (hg19) VCF-style: chr21-45708284-G-A.
Other names: p.Val199Ile; c.595G>A (LRG_18t1); short protein forms V199I.
Identifiers: ClinVar variation 128334 (VCV000128334.47), dbSNP rs74162061, ClinGen allele CA230862.
Genomic context (GRCh38, chr21:44,288,401, plus strand): 5'-CCAGGGATTCAGACCATGTCAGCTTCAGTCCAGAGAGCTGTGGCCATGTCCTCCGGGGAC[G>A]TCCCGGGAGCCCGAGGGGCCGTGGAGGGGATCCTCATCCAGCAGGTGTTTGAGTCAGGTA-3'
Protein context (NP_000374.1, residues 189-209): QRAVAMSSGD[Val199Ile]PGARGAVEGI

ClinVar aggregate classification (germline): Conflicting classifications of pathogenicity. Review status: criteria provided, conflicting classifications (1 of 4 stars). 8 submissions from 8 submitters: Uncertain significance (1); Benign (4); Likely benign (2). 1 of the submissions does not count toward it. Last evaluated 2026-02-02.

Conditions:
Polyglandular autoimmune syndrome, type 1 (APS1). Also called: Autoimmune polyendocrinopathy syndrome, type I; HYPOADRENOCORTICISM WITH HYPOPARATHYROIDISM AND SUPERFICIAL MONILIASIS; PGA I; AUTOIMMUNE POLYENDOCRINE SYNDROME, TYPE I, WITH OR WITHOUT REVERSIBLE METAPHYSEAL DYSPLASIA; Autoimmune polyendocrinopathy syndrome , type I, with or without reversible metaphyseal dysplasia; Autoimmune polyendocrine syndrome type 1. Identifiers: Orphanet 3453, MedGen C0085859, MONDO:0009411, OMIM 240300.

Allele frequency attached by ClinVar (database versions not stated): gnomAD exomes 0.00057 and 0.00120; ExAC 0.00123; ESP Exome Variant Server 0.00315; 1000 Genomes Project 30x 0.00344; gnomAD 0.00382 and 0.00404; 1000 Genomes Project 0.00399; TOPMed 0.00438.
gnomAD v4.1: 1,472 of 1,612,754 alleles (0.091%); highest among the groups gnomAD compares: African/African-American, 1.2%; 7 homozygotes.

Submissions (8):

Labcorp Genetics (formerly Invitae), Labcorp
Classification: Benign for Polyglandular autoimmune syndrome, type 1. Last evaluated: 2026-02-02. Review status: criteria provided, single submitter. Criteria: Invitae Variant Classification Sherloc (09022015). Collection method: clinical testing. Allele origin: germline.

CeGaT Center for Human Genetics Tuebingen
Classification: Likely benign. Last evaluated: 2025-08-01. Review status: criteria provided, single submitter. Criteria: CeGaT Center For Human Genetics Tuebingen Variant Classification Criteria Version 2. Collection method: clinical testing. Allele origin: germline. Affected: yes. Observed: 2 variant alleles.
Comment: AIRE: BP4, BS1

Blueprint Genetics
Classification: Likely benign. Last evaluated: 2024-10-09. Review status: criteria provided, single submitter. Criteria: ACMG Guidelines, 2015. Collection method: clinical testing. Allele origin: germline.

Mayo Clinic Laboratories, Mayo Clinic
Classification: Benign. Last evaluated: 2024-10-05. Review status: criteria provided, single submitter. Criteria: ACMG Guidelines, 2015. Collection method: clinical testing. Allele origin: germline. Observed: 2 variant alleles.
Comment: BS1, BS2, BP4

Women's Health and Genetics/Laboratory Corporation of America, LabCorp
Classification: Benign. Last evaluated: 2022-03-02. Review status: criteria provided, single submitter. Criteria: LabCorp Variant Classification Summary - May 2015. Collection method: clinical testing. Allele origin: germline.
Comment: Variant summary: AIRE c.595G>A (p.Val199Ile) results in a conservative amino acid change located in the SAND domain (IPR000770) of the encoded protein sequence. Three of five in-silico tools predict a benign effect of the variant on protein function. The variant allele was found at a frequency of 0.0015 in 281720 control chromosomes (gnomAD), predominantly at a frequency of 0.011 within the African or African-American subpopulation in the gnomAD database, including 1 homozygote. The observed variant frequency within African or African-American control individuals in the gnomAD database is approximately 4 fold of the estimated maximal expected allele frequency for a pathogenic variant in AIRE causing Autoimmune Polyglandular Syndrome Type 1 phenotype (0.0028), strongly suggesting that the variant is a benign polymorphism found primarily in populations of African or African-American origin. Four ClinVar submitters have assessed the variant since 2014: one classified the variant as of uncertain significance and three as benign. Based on the evidence outlined above, the variant was classified as benign.

Genetic Services Laboratory, University of Chicago
Classification: Benign. Last evaluated: 2021-04-02. Review status: criteria provided, single submitter. Criteria: ACMG Guidelines, 2015. Collection method: clinical testing. Allele origin: germline. Affected: no.

Genomic Diagnostic Laboratory, Division of Genomic Diagnostics, Children's Hospital of Philadelphia
Classification: Uncertain significance. Last evaluated: 2015-07-30. Review status: criteria provided, single submitter. Criteria: DGD Variant Analysis Guidelines. Collection method: clinical testing. Allele origin: unknown.

Natera, Inc.
Classification: Benign for Polyglandular autoimmune syndrome type 1. Last evaluated: 2020-09-16. Review status: no assertion criteria provided. Collection method: clinical testing. Allele origin: germline. Not counted in ClinVar's aggregate classification.

Literature cited by the submitters: PubMed 30290665 (cited by Mayo Clinic Laboratories, Mayo Clinic).